The following is an entry in ClinVar:

NM_182931.3(KMT2E):c.4637del (p.Pro1546fs)

Gene: KMT2E (lysine methyltransferase 2E (inactive); plus strand). Cytogenetic location: 7q22.3.
Variant type: Deletion.
Coding change: c.4637del on transcript NM_182931.3 (MANE Select); coding-DNA position 4637, one base deleted (C; older notation c.4637delC).
Protein change: p.Pro1546fs; shifts the reading frame from proline 1546.
Molecular consequence: frameshift variant.
Genome position (GRCh38, 1-based): chr7:105,112,393, C deleted; the last of 5 consecutive C bases (chr7:105,112,389-105,112,393); deleting any one gives the same sequence. VCF-style (leftmost placement, unchanged base first): chr7-105112388-AC-A. GRCh37 (hg19) VCF-style: chr7-104752835-AC-A.
Other names: c.4511del, p.Pro1504fs (NM_001410908.1); c.4637del, p.Pro1546fs (NM_018682.4); c.4637delC (NM_182931.2); c.4637del (NM_182931.2); short protein forms P1504fs, P1546fs.
Identifiers: ClinVar variation 3766579 (VCV003766579.3).

ClinVar aggregate classification (germline): Likely pathogenic. Review status: criteria provided, multiple submitters, no conflicts (2 of 4 stars). 3 submissions from 3 submitters: Likely pathogenic (3). Last evaluated 2026-01-28.

Conditions:
O'Donnell-Luria-Rodan syndrome (ODLURO). Also called: KMT2E-Related Neurodevelopmental Disorder. Identifiers: MedGen C5193138, MONDO:0032793, OMIM 618512.
Inborn genetic diseases. Identifiers: MedGen C0950123, MeSH D030342.

Submissions (3):

Ambry Genetics
Classification: Likely pathogenic for Inborn genetic diseases. Last evaluated: 2026-01-28. Review status: criteria provided, single submitter. Criteria: Ambry Variant Classification Scheme 2023. Collection method: clinical testing. Allele origin: germline.
Comment: The c.4637delC (p.P1546Lfs*59) alteration, located in exon 27 (coding exon 25) of the KMT2E gene, consists of a deletion of one nucleotide at position 4637, causing a translational frameshift with a predicted alternate stop codon after 59 amino acids. This alteration occurs at the 3' terminus of the KMT2E gene and is not expected to trigger nonsense-mediated mRNA decay. However, frameshifts are typically deleterious in nature, the impacted region is critical for protein function, and a significant portion of the protein is affected (Ambry internal data). This variant was not reported in population-based cohorts in the Genome Aggregation Database (gnomAD). This variant was reported in individuals with features consistent with O'Donnell-Luria-Rodan syndrome; in at least one individual, it was determined to be de novo (external communication). Based on the available evidence, this alteration is classified as likely pathogenic.

ARUP Laboratories, Molecular Genetics and Genomics, ARUP Laboratories
Classification: Likely pathogenic for O'Donnell-Luria-Rodan syndrome. Last evaluated: 2024-04-21. Review status: criteria provided, single submitter. Criteria: ARUP Molecular Germline Variant Investigation Process 2024. Collection method: clinical testing. Allele origin: germline.
Comment: The KMT2E c.4637del; p.Pro1546LeufsTer59 variant, to our knowledge, is not reported in the medical literature or gene specific databases. This variant is also absent from the Genome Aggregation Database (v2.1.1), indicating it is not a common polymorphism. This variant results in a premature termination codon in the last exon of the KMT2E gene. While this may not lead to nonsense-mediated decay, it is expected to create a truncated protein. Additionally, several downstream truncating variants have been described in individuals with O'Donnell-Luria-Rodan syndrome and are considered pathogenic (O'Donnell-Luria 2019, Velmans 2022). Based on available information, the c.4637del variant is considered to be likely pathogenic. References: O'Donnell-Luria AH et al. Heterozygous Variants in KMT2E Cause a Spectrum of Neurodevelopmental Disorders and Epilepsy. Am J Hum Genet. 2019 Jun 6;104(6):1210-1222. PMID: 31079897. Velmans C et al. O'Donnell-Luria-Rodan syndrome: description of a second multinational cohort and refinement of the phenotypic spectrum. J Med Genet. 2022 Jul;59(7):697-705. PMID: 34321323.

University of Washington Department of Laboratory Medicine, University of Washington
Classification: Likely pathogenic for O'Donnell-Luria-Rodan syndrome. Last evaluated: 2023-04-07. Review status: criteria provided, single submitter. Criteria: ACMG Guidelines, 2015. Collection method: clinical testing. Allele origin: de novo. Affected: yes.
Comment: This variant was absent from large population databases, including the Genome Aggregation Database. The p.Pro1546Leufs*59 variant results in a 1bp deletion in exon 27 of 27 exons, which causes a shift in the protein reading frame, leading to a premature termination codon 59 amino acids downstream. Premature termination at this location is not predicted to undergo nonsense-mediated decay; increasing the likelihood a truncated protein is made. These predictions have not been tested directly. Other variants that are predicted to escape nonsense-mediated decay have been reported in individuals with O'Donnell-Luria-Rodan syndrome (O'Donnell-Luria 2019). Using ACMG guidelines, this variant was classified as likely pathogenic for autosomal dominant O'Donnell-Luria-Rodan syndrome (ACMG evidence codes used: PVS1_strong, PS2_supporting, PM2_supporting).